The following is an entry in ClinVar:

ClinVar aggregate classification (germline): Uncertain significance. Review status: criteria provided, multiple submitters, no conflicts (2 of 4 stars). 2 submissions from 2 submitters: Uncertain significance (2). Last evaluated 2024-02-21.

Allele frequency attached by ClinVar (database versions not stated): ExAC 0.00007; TOPMed 0.00012; gnomAD 0.00015.
gnomAD v4.1: 277 of 1,614,038 alleles (0.017%); highest among the groups gnomAD compares: Non-Finnish European, 0.023%; no homozygotes.

Submissions (2):

Ambry Genetics
Classification: Uncertain significance. Last evaluated: 2024-02-21. Review status: criteria provided, single submitter. Criteria: Ambry Variant Classification Scheme 2023. Collection method: clinical testing. Allele origin: germline.

Labcorp Genetics (formerly Invitae), Labcorp
Classification: Uncertain significance. Last evaluated: 2022-08-31. Review status: criteria provided, single submitter. Criteria: Invitae Variant Classification Sherloc (09022015). Collection method: clinical testing. Allele origin: germline.
Comment: This variant is present in population databases (rs200416137, gnomAD 0.03%). In summary, the available evidence is currently insufficient to determine the role of this variant in disease. Therefore, it has been classified as a Variant of Uncertain Significance. Algorithms developed to predict the effect of missense changes on protein structure and function are either unavailable or do not agree on the potential impact of this missense change (SIFT: "Deleterious"; PolyPhen-2: "Possibly Damaging"; Align-GVGD: "Class C0"). This variant has not been reported in the literature in individuals affected with BPGM-related conditions. This sequence change replaces glutamic acid, which is acidic and polar, with lysine, which is basic and polar, at codon 176 of the BPGM protein (p.Glu176Lys).

NM_001724.5(BPGM):c.526G>A (p.Glu176Lys)

Gene: BPGM (bisphosphoglycerate mutase; plus strand). Cytogenetic location: 7q33.
Variant type: single nucleotide variant.
Coding change: c.526G>A on transcript NM_001724.5 (MANE Select); coding-DNA position 526, G replaced by A.
Protein change: p.Glu176Lys; replaces glutamic acid 176 with lysine.
Molecular consequence: missense variant.
Genome position (GRCh38, 1-based): chr7:134,662,033, G>A. VCF-style: chr7-134662033-G-A. GRCh37 (hg19) VCF-style: chr7-134346785-G-A.
Other names: c.526G>A, p.Glu176Lys (NM_001293085.2, NM_199186.3); c.526G>A (NM_199186.2); short protein forms E176K.
Identifiers: ClinVar variation 2180069 (VCV002180069.3), dbSNP rs200416137, ClinGen allele CA4494715.